The following is an entry in ClinVar:

ClinVar aggregate classification (germline): Conflicting classifications of pathogenicity. Review status: criteria provided, conflicting classifications (1 of 4 stars). 5 submissions from 5 submitters: Uncertain significance (1); Likely benign (4). Last evaluated 2026-08-01.

Conditions:
Hepatoencephalopathy due to combined oxidative phosphorylation defect type 1. Also called: HEPATOENCEPHALOPATHY, EARLY FATAL PROGRESSIVE. Identifiers: Orphanet 137681, MedGen C1836797, MONDO:0012191, OMIM 609060.

Allele frequency attached by ClinVar (database versions not stated): 1000 Genomes Project 30x 0.00016; 1000 Genomes Project 0.00020; gnomAD 0.00029; TOPMed 0.00030; ESP Exome Variant Server 0.00062.
gnomAD v4.1: 643 of 1,610,654 alleles (0.04%); highest among the groups gnomAD compares: Middle Eastern, 0.05%; 1 homozygote.

Submissions (5):

CeGaT Center for Human Genetics Tuebingen
Classification: Likely benign. Last evaluated: 2026-08-01. Review status: criteria provided, single submitter. Criteria: CeGaT Center For Human Genetics Tuebingen Variant Classification Criteria Version 2. Collection method: clinical testing. Allele origin: germline. Affected: yes. Observed: 2 variant alleles.
Comment: GFM1: BP4, BP7

Labcorp Genetics (formerly Invitae), Labcorp
Classification: Likely benign. Last evaluated: 2026-01-25. Review status: criteria provided, single submitter. Criteria: Invitae Variant Classification Sherloc (09022015). Collection method: clinical testing. Allele origin: germline.

Blueprint Genetics
Classification: Likely benign. Last evaluated: 2024-09-13. Review status: criteria provided, single submitter. Criteria: ACMG Guidelines, 2015. Collection method: clinical testing. Allele origin: germline.

GeneDx
Classification: Likely benign. Last evaluated: 2020-07-30. Review status: criteria provided, single submitter. Criteria: GeneDx Variant Classification Process June 2021. Collection method: clinical testing. Allele origin: germline. Affected: yes.

Illumina Laboratory Services, Illumina
Classification: Uncertain significance for Hepatoencephalopathy due to combined oxidative phosphorylation defect type 1. Last evaluated: 2018-01-13. Review status: criteria provided, single submitter. Criteria: ICSL Variant Classification Criteria 13 December 2019. Collection method: clinical testing. Allele origin: germline.

NM_024996.7(GFM1):c.1494A>G (p.Glu498=)

Gene: GFM1 (G elongation factor mitochondrial 1; plus strand). Cytogenetic location: 3q25.32.
Variant type: single nucleotide variant.
Coding change: c.1494A>G on transcript NM_024996.7 (MANE Select); coding-DNA position 1494, A replaced by G.
Protein change: p.Glu498=; no amino-acid change (glutamic acid 498 retained).
Molecular consequence: synonymous variant. On other transcripts: non-coding transcript variant (4).
Genome position (GRCh38, 1-based): chr3:158,665,450, A>G. VCF-style: chr3-158665450-A-G. GRCh37 (hg19) VCF-style: chr3-158383239-A-G.
Other names: c.1551A>G, p.Glu517= (NM_001308164.2); c.1494A>G, p.Glu498= (NM_001308166.2); c.1413A>G, p.Glu471= (NM_001374355.1); c.1377A>G, p.Glu459= (NM_001374356.1); c.1269A>G, p.Glu423= (NM_001374357.1); c.1035A>G, p.Glu345= (NM_001374358.1); c.927A>G, p.Glu309= (NM_001374359.1, NM_001374360.1); c.810A>G, p.Glu270= (NM_001374361.1).
Identifiers: ClinVar variation 377921 (VCV000377921.25), dbSNP rs149454742, ClinGen allele CA2682670.